The following is an entry in ClinVar:

NM_018086.4(FIGN):c.690A>T (p.Pro230=)

Gene: FIGN (fidgetin, microtubule severing factor; minus strand). Cytogenetic location: 2q24.3.
Variant type: single nucleotide variant.
Coding change: c.690A>T on transcript NM_018086.4 (MANE Select); coding-DNA position 690, A replaced by T.
Protein change: p.Pro230=; no amino-acid change (proline 230 retained).
Molecular consequence: synonymous variant.
Genome position (GRCh38, 1-based): chr2:163,611,142, T>A on the plus strand (A>T on the coding strand, the complement: FIGN is on the minus strand). VCF-style: chr2-163611142-T-A. GRCh37 (hg19) VCF-style: chr2-164467652-T-A.
Other names: c.657A>T, p.Pro219= (NM_001321825.2).
Identifiers: ClinVar variation 2651474 (VCV002651474.24), dbSNP rs2467840140, ClinGen allele CA429733112.

ClinVar aggregate classification (germline): Likely benign (1 of 4 stars; one submission).

Allele frequency attached by ClinVar (database versions not stated): gnomAD exomes below 0.00001.
gnomAD v4.1: 5 of 1,613,992 alleles (0.00031%); highest among the groups gnomAD compares: Middle Eastern, 0.049%; no homozygotes.

Submission:

CeGaT Center for Human Genetics Tuebingen
Classification: Likely benign. Last evaluated: 2022-12-01. Review status: criteria provided, single submitter. Criteria: CeGaT Center For Human Genetics Tuebingen Variant Classification Criteria Version 2. Collection method: clinical testing. Allele origin: germline. Affected: yes. Observed: 1 variant allele.
Comment: FIGN: PM2:Supporting, BP4, BP7